The following is an entry in ClinVar:

ClinVar aggregate classification (germline): Conflicting classifications of pathogenicity. Review status: criteria provided, conflicting classifications (1 of 4 stars). 2 submissions from 2 submitters: Pathogenic (1); Uncertain significance (1). Last evaluated 2023-08-11.

Conditions:
Pseudohypoparathyroidism type I A (PHP1A). Also called: ALBRIGHT HEREDITARY OSTEODYSTROPHY WITH MULTIPLE HORMONE RESISTANCE; Pseudohypoparathyroidism Type IA; PHP IA; Pseudohypoparathyroidism type 1A; Pseudohypoparathyroidism Ia (PHP-Ia). Identifiers: Orphanet 79443, MedGen C3494506, MONDO:0007078, OMIM 103580.

Submissions (2):

GeneDx
Classification: Pathogenic. Last evaluated: 2023-08-11. Review status: criteria provided, single submitter. Criteria: GeneDx Variant Classification Process June 2021. Collection method: clinical testing. Allele origin: germline. Affected: yes.
Comment: In silico analysis, which includes protein predictors and evolutionary conservation, supports a deleterious effect; Not observed at significant frequency in large population cohorts (gnomAD); This variant is associated with the following publications: (PMID: 33730787)

Neuberg Centre For Genomic Medicine, NCGM
Classification: Uncertain significance for Pseudohypoparathyroidism type I A. Last evaluated: 2023-02-14. Review status: criteria provided, single submitter. Criteria: ACMG Guidelines, 2015. Collection method: clinical testing. Allele origin: germline. Inheritance: Autosomal dominant inheritance. Affected: yes.
Comment: The missense c.389A>G(p.Tyr130Cys) variant in GNAS gene has been reported previously in heterozygous state in an individual (as a De-novo variant) affected with Pseudohypoparathyroidism type 1A (Kotanidou EP, et. al., 2021). The p.Tyr130Cys variant is novel (not in any individuals) in gnomAD Exomes and 1000 Genomes. This variant has been reported to the ClinVar database as Pathogenic. The amino acid change p.Tyr130Cys in GNAS is predicted as conserved by GERP++ and PhyloP across 100 vertebrates. The amino acid Tyr at position 130 is changed to a Cys changing protein sequence and it might alter its composition and physico-chemical properties. Additional functional studies are required to prove the pathogenicity of this variant. For these reasons, this variant has been classified as a Variant of Uncertain Significance (VUS).

NM_000516.7(GNAS):c.389A>G (p.Tyr130Cys)

Gene: GNAS (GNAS complex locus; plus strand). Cytogenetic location: 20q13.32.
Variant type: single nucleotide variant.
Coding change: c.389A>G on transcript NM_000516.7 (MANE Select); coding-DNA position 389, A replaced by G.
Protein change: p.Tyr130Cys; replaces tyrosine 130 with cysteine.
Molecular consequence: missense variant. On other transcripts: 3 prime UTR variant (2).
Genome position (GRCh38, 1-based): chr20:58,903,748, A>G. VCF-style: chr20-58903748-A-G. GRCh37 (hg19) VCF-style: chr20-57478803-A-G.
Other names: c.392A>G, p.Tyr131Cys (NM_001077488.5); c.344A>G, p.Tyr115Cys (NM_001077489.4); c.*250A>G (NM_001077490.3); c.212A>G, p.Tyr71Cys (NM_001309840.2, NM_001309861.2); c.*295A>G (NM_016592.5); c.2318A>G, p.Tyr773Cys (NM_080425.4); c.347A>G, p.Tyr116Cys (NM_080426.4); short protein forms Y115C, Y116C, Y130C, Y131C, Y71C, Y773C.
Identifiers: ClinVar variation 1695465 (VCV001695465.4), dbSNP rs2146184314, ClinGen allele CA409450556.